The following is an entry in ClinVar:

ClinVar aggregate classification (germline): Uncertain significance (1 of 4 stars; one submission).

Submission:

Ambry Genetics
Classification: Uncertain significance. Last evaluated: 2021-11-30. Review status: criteria provided, single submitter. Criteria: Ambry Variant Classification Scheme 2023. Collection method: clinical testing. Allele origin: germline.
Comment: The p.P1512R variant (also known as c.4535C>G), located in coding exon 16 of the POLQ gene, results from a C to G substitution at nucleotide position 4535. The proline at codon 1512 is replaced by arginine, an amino acid with dissimilar properties. This amino acid position is conserved. In addition, this alteration is predicted to be tolerated by in silico analysis. Since supporting evidence is limited at this time, the clinical significance of this alteration remains unclear.

NM_199420.4(POLQ):c.4535C>G (p.Pro1512Arg)

Gene: POLQ (DNA polymerase theta; minus strand). Cytogenetic location: 3q13.33.
Variant type: single nucleotide variant.
Coding change: c.4535C>G on transcript NM_199420.4 (MANE Select); coding-DNA position 4535, C replaced by G.
Protein change: p.Pro1512Arg; replaces proline 1512 with arginine.
Molecular consequence: missense variant.
Genome position (GRCh38, 1-based): chr3:121,488,396, G>C on the plus strand (C>G on the coding strand, the complement: POLQ is on the minus strand). VCF-style: chr3-121488396-G-C. GRCh37 (hg19) VCF-style: chr3-121207243-G-C.
Other names: short protein forms P1512R.
Identifiers: ClinVar variation 1741298 (VCV001741298.2), dbSNP rs2546785812, ClinGen allele CA354094797.